The following is an entry in ClinVar:

ClinVar aggregate classification (germline): Conflicting classifications of pathogenicity. Review status: criteria provided, conflicting classifications (1 of 4 stars). 2 submissions from 2 submitters: Uncertain significance (1); Likely benign (1). Last evaluated 2022-03-10.

Submissions (2):

Labcorp Genetics (formerly Invitae), Labcorp
Classification: Uncertain significance. Last evaluated: 2022-03-10. Review status: criteria provided, single submitter. Criteria: Invitae Variant Classification Sherloc (09022015). Collection method: clinical testing. Allele origin: germline.
Comment: This variant has not been reported in the literature in individuals affected with ABCA4-related conditions. ClinVar contains an entry for this variant (Variation ID: 255921). Advanced modeling of protein sequence and biophysical properties (such as structural, functional, and spatial information, amino acid conservation, physicochemical variation, residue mobility, and thermodynamic stability) performed at Invitae indicates that this missense variant is not expected to disrupt ABCA4 protein function. In summary, the available evidence is currently insufficient to determine the role of this variant in disease. Therefore, it has been classified as a Variant of Uncertain Significance. This sequence change replaces aspartic acid, which is acidic and polar, with glutamic acid, which is acidic and polar, at codon 1194 of the ABCA4 protein (p.Asp1194Glu). This variant is not present in population databases (gnomAD no frequency).

PreventionGenetics, part of Exact Sciences
Classification: Likely benign. Review status: criteria provided, single submitter. Criteria: ACMG Guidelines, 2015. Collection method: clinical testing. Allele origin: germline.

NM_000350.3(ABCA4):c.3582C>A (p.Asp1194Glu)

Gene: ABCA4 (ATP binding cassette subfamily A member 4; minus strand). Cytogenetic location: 1p22.1.
Variant type: single nucleotide variant.
Coding change: c.3582C>A on transcript NM_000350.3 (MANE Select); coding-DNA position 3582, C replaced by A.
Protein change: p.Asp1194Glu; replaces aspartic acid 1194 with glutamic acid.
Molecular consequence: missense variant.
Genome position (GRCh38, 1-based): chr1:94,040,068, G>T on the plus strand (C>A on the coding strand, the complement: ABCA4 is on the minus strand). VCF-style: chr1-94040068-G-T. GRCh37 (hg19) VCF-style: chr1-94505624-G-T.
Other names: c.3360C>A, p.Asp1120Glu (NM_001425324.1); short protein forms D1194E, D1120E.
Identifiers: ClinVar variation 255921 (VCV000255921.10), dbSNP rs886038285, ClinGen allele CA10586745.